The following is an entry in ClinVar:

ClinVar aggregate classification (germline): Conflicting classifications of pathogenicity. Review status: criteria provided, conflicting classifications (1 of 4 stars). 22 submissions from 16 submitters: Uncertain significance (6); Benign (3); Likely benign (12). 1 of the submissions does not count toward it. Last evaluated 2026-04-01.

Conditions:
TTN-related myopathy. Identifiers: MedGen CN294812, MONDO:0100175.
Cardiovascular phenotype. Identifiers: MedGen CN230736.
TTN-related disorder. Also called: TTN-related condition; TTN-related disease; TTN-related disorders.
Dilated cardiomyopathy 1G (CMD1G). Identifiers: Orphanet 154, MedGen C1858763, MONDO:0011400, OMIM 604145.
Autosomal recessive limb-girdle muscular dystrophy type 2J (LGMDR10). Also called: Limb-girdle muscular dystrophy, type 2J; MUSCULAR DYSTROPHY, LIMB-GIRDLE, AUTOSOMAL RECESSIVE 10. Identifiers: Orphanet 140922, MedGen C1837342, MONDO:0012127, OMIM 608807.
Cardiomyopathy (CMYO). Also called: Cardiomyopathies. Identifiers: Orphanet 167848, MedGen C0878544, MONDO:0004994, HP:0001638. Inheritance: Various modes of inheritance.
Myopathy, myofibrillar, 9, with early respiratory failure (MFM9). Also called: EDSTROM MYOPATHY; MYOPATHY, PROXIMAL, WITH EARLY RESPIRATORY MUSCLE INVOLVEMENT; Hereditary myopathy with early respiratory failure; Myopathy, distal, with early respiratory failure, autosomal dominant. Identifiers: Orphanet 178464, Orphanet 34521, MedGen C1863599, MONDO:0011362, OMIM 603689.
Tibial muscular dystrophy (TMD). Also called: Udd Distal Myopathy – Tibial Muscular Dystrophy; Tibial muscular dystrophy, tardive; UDD MYOPATHY. Identifiers: Orphanet 609, MedGen C1838244, MONDO:0010870, OMIM 600334.
Early-onset myopathy with fatal cardiomyopathy (CMYO5). Also called: CONGENITAL MYOPATHY 5 WITH CARDIOMYOPATHY; Salih Myopathy. Identifiers: Orphanet 289377, MedGen C2673677, MONDO:0012714, OMIM 611705. Disease mechanism: loss of function.

Allele frequency attached by ClinVar (database versions not stated): gnomAD 0.00023 and 0.00029; ESP Exome Variant Server 0.00025; TOPMed 0.00025; 1000 Genomes Project 0.00040; ExAC 0.00042; gnomAD exomes 0.00043; 1000 Genomes Project 30x 0.00047.
gnomAD v4.1: 599 of 1,613,336 alleles (0.037%); highest among the groups gnomAD compares: Middle Eastern, 0.3%; 3 homozygotes.

Submissions (22):

CeGaT Center for Human Genetics Tuebingen
Classification: Likely benign. Last evaluated: 2026-04-01. Review status: criteria provided, single submitter. Criteria: CeGaT Center For Human Genetics Tuebingen Variant Classification Criteria Version 2. Collection method: clinical testing. Allele origin: germline. Affected: yes. Observed: 9 variant alleles.
Comment: TTN: BP4

PreventionGenetics, part of Exact Sciences
Classification: Likely benign for TTN-related condition. Last evaluated: 2025-09-13. Review status: criteria provided, single submitter. Criteria: ACMG Guidelines, 2015. Collection method: clinical testing. Allele origin: germline.
Comment: This variant is classified as likely benign based on ACMG/AMP sequence variant interpretation guidelines (Richards et al. 2015 PMID: 25741868, with internal and published modifications).

Mayo Clinic Laboratories, Mayo Clinic
Classification: Likely benign. Last evaluated: 2025-07-12. Review status: criteria provided, single submitter. Criteria: ACMG Guidelines, 2015. Collection method: clinical testing. Allele origin: germline. Observed: 2 variant alleles.

Molecular Diagnostic Laboratory for Inherited Cardiovascular Disease, Montreal Heart Institute
Classification: Likely benign. Last evaluated: 2025-04-09. Review status: criteria provided, single submitter. Criteria: ACMG Guidelines, 2015. Collection method: clinical testing. Allele origin: germline. Affected: no.

Blueprint Genetics
Classification: Likely benign. Last evaluated: 2024-10-25. Review status: criteria provided, single submitter. Criteria: ACMG Guidelines, 2015. Collection method: clinical testing. Allele origin: germline.

Revvity Omics, Revvity
Classification: Likely benign. Last evaluated: 2023-10-04. Review status: criteria provided, single submitter. Criteria: ACMG Guidelines, 2015. Collection method: clinical testing. Allele origin: germline.

CHEO Genetics Diagnostic Laboratory, Children's Hospital of Eastern Ontario
Classification: Benign for Cardiomyopathy. Last evaluated: 2023-03-24. Review status: criteria provided, single submitter. Criteria: ACMG Guidelines, 2015. Collection method: clinical testing. Allele origin: germline. Study: Canadian Open Genetics Repository.

Women's Health and Genetics/Laboratory Corporation of America, LabCorp
Classification: Likely benign. Last evaluated: 2021-09-22. Review status: criteria provided, single submitter. Criteria: LabCorp Variant Classification Summary - May 2015. Collection method: clinical testing. Allele origin: germline.

GeneDx
Classification: Likely benign. Last evaluated: 2021-05-10. Review status: criteria provided, single submitter. Criteria: GeneDx Variant Classification Process June 2021. Collection method: clinical testing. Allele origin: germline. Affected: yes.
Comment: This variant is associated with the following publications: (PMID: 27930701, 23861362, 28440294)

Illumina Laboratory Services, Illumina
Classification: Uncertain significance for TTN-related myopathy. Last evaluated: 2021-03-22. Review status: criteria provided, single submitter. Criteria: ICSLVariantClassificationCriteria RUGD 01 April 2020. Collection method: clinical testing. Allele origin: unknown.
Comment: The TTN c.106675G>C (p.Glu35559Gln) variant is a missense variant. The p.Glu35559Gln variant has been reported in one publication in which it is described as c.98971G>C (p.Glu32991Gln). The p.Glu35559Gln variant has not been reported in association with autosomal dominant or recessive TTN-related myopathies. The p.Glu35559Gln variant is reported at a frequency of 0.001146 in the South Asian population of the Genome Aggregation Database. Although this frequency is too high to suggest an association with dominant TTN-related phenotypes, it is consistent with a potential association with autosomal recessive phenotypes. This variant is located within the M band of the protein. In silico prediction of pathogenicity for this variant are mixed, but lean towards benign. However, currently available in silico prediction tools may have limited utility in the assessment of missense variants in the TTN gene (Rees et al. 2021). Based on the limited evidence and application of the ACMG criteria, the p.Glu35559Gln variant is classified as a variant of uncertain significance for TTN-related myopathy.

Athena Diagnostics
Classification: Likely benign. Last evaluated: 2019-11-05. Review status: criteria provided, single submitter. Criteria: Athena Diagnostics Criteria. Collection method: clinical testing. Allele origin: unknown.

Ambry Genetics
Classification: Likely benign for Cardiovascular phenotype. Last evaluated: 2019-07-04. Review status: criteria provided, single submitter. Criteria: Ambry Variant Classification Scheme 2023. Collection method: clinical testing. Allele origin: germline.

Illumina Laboratory Services, Illumina
Classification: Benign for Tibial muscular dystrophy. Last evaluated: 2018-01-12. Review status: criteria provided, single submitter. Criteria: ICSL Variant Classification Criteria 13 December 2019. Collection method: clinical testing. Allele origin: germline.
Comment: This variant was observed in the ICSL laboratory as part of a predisposition screen in an ostensibly healthy population. It had not been previously curated by ICSL or reported in the Human Gene Mutation Database (HGMD: prior to June 1st, 2018), and was therefore a candidate for classification through an automated scoring system. Utilizing variant allele frequency, disease prevalence and penetrance estimates, and inheritance mode, an automated score was calculated to assess if this variant is too frequent to cause the disease. Based on the score and internal cut-off values, a variant classified as benign is not then subjected to further curation. The score for this variant resulted in a classification of benign for this disease.

Illumina Laboratory Services, Illumina
Classification: Uncertain significance for Autosomal recessive limb-girdle muscular dystrophy type 2J. Last evaluated: 2018-01-12. Review status: criteria provided, single submitter. Criteria: ICSL Variant Classification Criteria 13 December 2019. Collection method: clinical testing. Allele origin: germline.

Illumina Laboratory Services, Illumina
Classification: Uncertain significance for Dilated cardiomyopathy 1G. Last evaluated: 2018-01-12. Review status: criteria provided, single submitter. Criteria: ICSL Variant Classification Criteria 13 December 2019. Collection method: clinical testing. Allele origin: germline.

Illumina Laboratory Services, Illumina
Classification: Benign for Myopathy, myofibrillar, 9, with early respiratory failure. Last evaluated: 2018-01-12. Review status: criteria provided, single submitter. Criteria: ICSL Variant Classification Criteria 13 December 2019. Collection method: clinical testing. Allele origin: germline.
Comment: the same text as in the submission from Illumina Laboratory Services, Illumina above.

Illumina Laboratory Services, Illumina
Classification: Uncertain significance for Early-onset myopathy with fatal cardiomyopathy. Last evaluated: 2018-01-12. Review status: criteria provided, single submitter. Criteria: ICSL Variant Classification Criteria 13 December 2019. Collection method: clinical testing. Allele origin: germline.

Labcorp Genetics (formerly Invitae), Labcorp
Classification: Uncertain significance for Dilated cardiomyopathy 1G; Autosomal recessive limb-girdle muscular dystrophy type 2J. Last evaluated: 2017-11-21. Review status: criteria provided, single submitter. Criteria: Invitae Variant Classification Sherloc (09022015). Collection method: clinical testing. Allele origin: germline.

Laboratory for Molecular Medicine, Mass General Brigham Personalized Medicine
Classification: Uncertain significance. Last evaluated: 2017-07-10. Review status: criteria provided, single submitter. Criteria: LMM Criteria. Collection method: clinical testing. Allele origin: germline. Observed: 2 variant alleles.
Comment: Variant classified as Uncertain Significance - Favor Benign. This variant has also been reported in ClinVar (Variation ID 192135). Computational prediction tools and conservation analysis suggest that the p.Glu32991Gln variant may not impact the protein, though this information is not predictive enough to rule out pathogenicity. In summary, while the clinical significance of the p.Glu32991Gln variant is uncertain, its frequency suggests that it is more likely to be benign.

Eurofins Ntd Llc (ga)
Classification: Likely benign. Last evaluated: 2015-09-01. Review status: criteria provided, single submitter. Criteria: EGL Classification Definitions 2015. Collection method: clinical testing. Allele origin: germline. Observed: 1 variant allele, 1 heterozygote.

Biesecker Lab/Clinical Genomics Section, National Institutes of Health
Classification: Likely benign. Last evaluated: 2013-06-24. Review status: criteria provided, single submitter. Criteria: Ng et al. (Circ Cardiovasc Genet. 2013). Collection method: research. Allele origin: unknown. Observed: 4 variant alleles. Study: ClinSeq.
Comment: The study set was not selected for affection status in relation to any cancer. Pathogenicity categories were based on literature curation. See Pubmed ID:23861362 for details.

Medical sequencing

Ambry Genetics
Classification: Uncertain significance for Cardiovascular phenotype. Last evaluated: 2013-02-14. Review status: flagged submission. Criteria: Ambry Autosomal Dominant and X-Linked criteria (10/2015). Collection method: clinical testing. Allele origin: germline. Observed: 1 variant allele. Not counted in ClinVar's aggregate classification.
Comment: There is insufficient or conflicting evidence for classification of this alteration.
ClinVar note: Reason: This record appears to be redundant with a more recent record from the same submitter.
ClinVar note: Notes: SCV000318260 appears to be redundant with SCV000741111.

Literature cited by the submitters: PubMed 27930701 (cited by Illumina Laboratory Services, Illumina and Laboratory for Molecular Medicine, Mass General Brigham Personalized Medicine); PubMed 33449170 (cited by Illumina Laboratory Services, Illumina).

NM_001267550.2(TTN):c.106675G>C (p.Glu35559Gln)

Genes: TTN (titin; minus strand), TTN-AS1 (TTN antisense RNA 1; plus strand). Cytogenetic location: 2q31.2.
Variant type: single nucleotide variant.
Coding change: c.106675G>C on transcript NM_001267550.2 (MANE Select); coding-DNA position 106675, G replaced by C.
Protein change: p.Glu35559Gln; replaces glutamic acid 35559 with glutamine.
Molecular consequence: missense variant.
Genome position (GRCh38, 1-based): chr2:178,529,076, C>G on the plus strand (G>C on the coding strand, the complement: TTN is on the minus strand). VCF-style: chr2-178529076-C-G. GRCh37 (hg19) VCF-style: chr2-179393803-C-G.
Other names: p.E33918Q:GAA>CAA; p.Glu33918Gln; c.101752G>C, p.Glu33918Gln (NM_001256850.1); c.79480G>C, p.Glu26494Gln (NM_003319.4); c.98971G>C, p.Glu32991Gln (NM_133378.4); c.79855G>C, p.Glu26619Gln (NM_133432.3); c.80056G>C, p.Glu26686Gln (NM_133437.4); short protein forms E32991Q, E35559Q, E33918Q, E26494Q, E26619Q, E26686Q.
Identifiers: ClinVar variation 192135 (VCV000192135.75), dbSNP rs199632397, ClinGen allele CA302594.